The following is an entry in ClinVar:

NM_014141.6(CNTNAP2):c.1231G>A (p.Val411Ile)

Gene: CNTNAP2 (contactin associated protein 2; plus strand). Cytogenetic location: 7q35.
Variant type: single nucleotide variant.
Coding change: c.1231G>A on transcript NM_014141.6 (MANE Select); coding-DNA position 1231, G replaced by A.
Protein change: p.Val411Ile; replaces valine 411 with isoleucine.
Molecular consequence: missense variant.
Genome position (GRCh38, 1-based): chr7:147,132,392, G>A. VCF-style: chr7-147132392-G-A. GRCh37 (hg19) VCF-style: chr7-146829484-G-A.
Other names: short protein forms V411I.
Identifiers: ClinVar variation 1755733 (VCV001755733.2), dbSNP rs2485923066, ClinGen allele CA369924760.
Genomic context (GRCh38, chr7:147,132,392, plus strand): 5'-AACCAGGACCTGTTCTCAGTCAGTTTCCAGTTTAGGACATGGAACCCCAATGGTCTCCTG[G>A]TCTTCAGTCACTTTGCGGATAATTTGGGCAATGTGGAGATTGACCTCACTGAAAGCAAAG-3'
Protein context (NP_054860.1, residues 401-421): FRTWNPNGLL[Val411Ile]FSHFADNLGN

ClinVar aggregate classification (germline): Uncertain significance (1 of 4 stars; one submission).

Conditions:
Inborn genetic diseases. Identifiers: MedGen C0950123, MeSH D030342.

Submission:

Ambry Genetics
Classification: Uncertain significance for Inborn genetic diseases. Last evaluated: 2019-07-30. Review status: criteria provided, single submitter. Criteria: Ambry Variant Classification Scheme 2023. Collection method: clinical testing. Allele origin: germline.
Comment: The p.V411I variant (also known as c.1231G>A), located in coding exon 8 of the CNTNAP2 gene, results from a G to A substitution at nucleotide position 1231. The valine at codon 411 is replaced by isoleucine, an amino acid with highly similar properties. This amino acid position is poorly conserved in available vertebrate species. In addition, this alteration is predicted to be tolerated by in silico analysis. Since supporting evidence is limited at this time, the clinical significance of this alteration remains unclear.